The following is an entry in ClinVar:

NM_001130823.3(DNMT1):c.2721-45C>T

Gene: DNMT1 (DNA methyltransferase 1; minus strand). Cytogenetic location: 19p13.2.
Variant type: single nucleotide variant.
Coding change: c.2721-45C>T on transcript NM_001130823.3 (MANE Select); 45 bases into the intron before coding-DNA position 2721, C replaced by T.
Molecular consequence: intron variant.
Genome position (GRCh38, 1-based): chr19:10,146,569, G>A on the plus strand (C>T on the coding strand, the complement: DNMT1 is on the minus strand). VCF-style: chr19-10146569-G-A. GRCh37 (hg19) VCF-style: chr19-10257245-G-A.
Other names: c.2358-45C>T (NM_001318731.2); c.2673-45C>T (NM_001379.4, NM_001318730.2).
Identifiers: ClinVar variation 681295 (VCV000681295.5), dbSNP rs2288349, ClinGen allele CA9187955.

ClinVar aggregate classification (germline): Benign. Review status: criteria provided, multiple submitters, no conflicts (2 of 4 stars). 4 submissions from 3 submitters: Benign (4). Last evaluated 2021-07-30.

Conditions:
Autosomal dominant cerebellar ataxia, deafness and narcolepsy. Also called: Autosomal Dominant Cerebellar Ataxia, Deafness, and Narcolepsy (ADCA-DN). Identifiers: Orphanet 314404, MedGen C4302668, MONDO:0011397, OMIM 604121.
Hereditary sensory neuropathy-deafness-dementia syndrome. Also called: Hereditary Sensory and Autonomic Neuropathy Type 1E (HSAN1E); HSN IE; Hereditary sensory neuropathy type IE; NEUROPATHY, HEREDITARY SENSORY, WITH HEARING LOSS AND DEMENTIA. Identifiers: Orphanet 456318, MedGen C3279885, MONDO:0013584, OMIM 614116.

Allele frequency attached by ClinVar (database versions not stated): 1000 Genomes Project 30x 0.26718; 1000 Genomes Project 0.27416; TOPMed 0.33622; gnomAD 0.35077 and 0.35412; gnomAD exomes 0.36075 and 0.40770; ESP Exome Variant Server 0.36222; ExAC 0.36771.
gnomAD v4.1: 647,072 of 1,611,166 alleles (40%); highest among the groups gnomAD compares: Middle Eastern, 47%; 134,052 homozygotes.

Submissions (4):

Genome-Nilou Lab
Classification: Benign for Autosomal dominant cerebellar ataxia, deafness and narcolepsy. Last evaluated: 2021-07-30. Review status: criteria provided, single submitter. Criteria: ACMG Guidelines, 2015. Collection method: clinical testing. Allele origin: germline. Affected: no.

Genome-Nilou Lab
Classification: Benign for Hereditary sensory neuropathy-deafness-dementia syndrome. Last evaluated: 2021-07-30. Review status: criteria provided, single submitter. Criteria: ACMG Guidelines, 2015. Collection method: clinical testing. Allele origin: germline. Affected: no.

GeneDx
Classification: Benign. Last evaluated: 2018-06-19. Review status: criteria provided, single submitter. Criteria: GeneDx Variant Classification (06012015). Collection method: clinical testing. Allele origin: germline. Affected: yes.
Comment: This variant is considered likely benign or benign based on one or more of the following criteria: it is a conservative change, it occurs at a poorly conserved position in the protein, it is predicted to be benign by multiple in silico algorithms, and/or has population frequency not consistent with disease.

Breakthrough Genomics
Classification: Benign. Review status: criteria provided, single submitter. Criteria: ACMG Guidelines, 2015. Collection method: not provided. Allele origin: germline. Inheritance: Autosomal dominant inheritance. Affected: yes.